The following is an entry in ClinVar:

ClinVar aggregate classification (germline): Uncertain significance. Review status: criteria provided, multiple submitters, no conflicts (2 of 4 stars). 2 submissions from 2 submitters: Uncertain significance (2). Last evaluated 2025-03-21.

Conditions:
Inborn genetic diseases. Identifiers: MedGen C0950123, MeSH D030342.

gnomAD v4.1: 14 of 1,612,954 alleles (0.00087%); highest among the groups gnomAD compares: East Asian, 0.0045%; no homozygotes.

Submissions (2):

Ambry Genetics
Classification: Uncertain significance for Inborn genetic diseases. Last evaluated: 2025-03-21. Review status: criteria provided, single submitter. Criteria: Ambry Variant Classification Scheme 2023. Collection method: clinical testing. Allele origin: germline.

Women's Health and Genetics/Laboratory Corporation of America, LabCorp
Classification: Uncertain significance. Last evaluated: 2024-06-20. Review status: criteria provided, single submitter. Criteria: LabCorp Variant Classification Summary - May 2015. Collection method: clinical testing. Allele origin: germline.
Comment: Variant summary: DCC c.1790G>A (p.Arg597Gln) results in a conservative amino acid change located in the fibronectin type III domain (IPR003961) of the encoded protein sequence. Three of five in-silico tools predict a damaging effect of the variant on protein function. The variant was absent in 251364 control chromosomes (gnomAD). The available data on variant occurrences in the general population are insufficient to allow any conclusion about variant significance. To our knowledge, no occurrence of c.1790G>A in individuals affected with Mirror Movements 1 and no experimental evidence demonstrating its impact on protein function have been reported. No submitters have cited clinical-significance assessments for this variant to ClinVar. Based on the evidence outlined above, the variant was classified as uncertain significance.

NM_005215.4(DCC):c.1790G>A (p.Arg597Gln)

Gene: DCC (DCC netrin 1 receptor; plus strand). Cytogenetic location: 18q21.2.
Variant type: single nucleotide variant.
Coding change: c.1790G>A on transcript NM_005215.4 (MANE Select); coding-DNA position 1790, G replaced by A.
Protein change: p.Arg597Gln; replaces arginine 597 with glutamine.
Molecular consequence: missense variant.
Genome position (GRCh38, 1-based): chr18:53,207,746, G>A. VCF-style: chr18-53207746-G-A. GRCh37 (hg19) VCF-style: chr18-50734116-G-A.
Other names: c.1790G>A (NM_005215.3); short protein forms R597Q.
Identifiers: ClinVar variation 3339916 (VCV003339916.2).